The following is an entry in ClinVar:

NM_015158.5(KANK1):c.302A>G (p.Lys101Arg)

Gene: KANK1 (KN motif and ankyrin repeat domains 1; plus strand). Cytogenetic location: 9p24.3.
Variant type: single nucleotide variant.
Coding change: c.302A>G on transcript NM_015158.5 (MANE Select); coding-DNA position 302, A replaced by G.
Protein change: p.Lys101Arg; replaces lysine 101 with arginine.
Molecular consequence: missense variant. On other transcripts: 5 prime UTR variant (12), non-coding transcript variant (1).
Genome position (GRCh38, 1-based): chr9:711,068, A>G. VCF-style: chr9-711068-A-G. GRCh37 (hg19) VCF-style: chr9-711068-A-G.
Other names: c.302A>G, p.Lys101Arg (NM_001256876.3, NM_001256877.3, NM_001354331.2 and 2 more transcripts); c.-173A>G (NM_001354333.2, NM_001354335.2, NM_001354336.2 and 9 more transcripts); c.302A>G (NM_015158.2); short protein forms K101R.
Identifiers: ClinVar variation 2792657 (VCV002792657.4), dbSNP rs200547991, ClinGen allele CA4959909.

ClinVar aggregate classification (germline): Conflicting classifications of pathogenicity. Review status: criteria provided, conflicting classifications (1 of 4 stars). 2 submissions from 2 submitters: Uncertain significance (1); Likely benign (1). Last evaluated 2025-10-28.

Allele frequency attached by ClinVar (database versions not stated): 1000 Genomes Project 30x 0.00016; gnomAD exomes below 0.00001; gnomAD 0.00005; TOPMed 0.00005; 1000 Genomes Project 0.00020; ExAC 0.00002.
gnomAD v4.1: 11 of 1,614,208 alleles (0.00068%); highest among the groups gnomAD compares: African/African-American, 0.012%; no homozygotes.

Submissions (2):

Ambry Genetics
Classification: Likely benign. Last evaluated: 2025-10-28. Review status: criteria provided, single submitter. Criteria: Ambry Variant Classification Scheme 2023. Collection method: clinical testing. Allele origin: germline.

Labcorp Genetics (formerly Invitae), Labcorp
Classification: Uncertain significance. Last evaluated: 2025-06-12. Review status: criteria provided, single submitter. Criteria: Invitae Variant Classification Sherloc (09022015). Collection method: clinical testing. Allele origin: germline.
Comment: This sequence change replaces lysine, which is basic and polar, with arginine, which is basic and polar, at codon 101 of the KANK1 protein (p.Lys101Arg). This variant is present in population databases (rs200547991, gnomAD 0.01%). This variant has not been reported in the literature in individuals affected with KANK1-related conditions. ClinVar contains an entry for this variant (Variation ID: 2792657). An algorithm developed to predict the effect of missense changes on protein structure and function outputs the following: PolyPhen-2: "Benign". The arginine amino acid residue is found in multiple mammalian species, which suggests that this missense change does not adversely affect protein function. In summary, the available evidence is currently insufficient to determine the role of this variant in disease. Therefore, it has been classified as a Variant of Uncertain Significance.